The following is an entry in ClinVar:

ClinVar aggregate classification (germline): Uncertain significance. Review status: criteria provided, single submitter (1 of 4 stars). 2 submissions from 2 submitters: Uncertain significance (1). 1 of the submissions does not count toward it. Last evaluated 2022-06-05.

Conditions:
Zellweger spectrum disorders (ZS). Also called: Zellweger syndrome; Zellweger Spectrum Disorder; Zellweger Spectrum; Zellweger Spectrum Disorder (ZSD). Identifiers: Orphanet 912, MedGen C0043459, MONDO:0019609.
Peroxisome biogenesis disorder 5A (Zellweger) (PBD5A). Identifiers: Orphanet 912, MedGen C3553940, MONDO:0013932, OMIM 614866.

Allele frequency attached by ClinVar (database versions not stated): ExAC 0.00001; gnomAD exomes 0.00002; TOPMed 0.00002; gnomAD 0.00003 and 0.00004.
gnomAD v4.1: 38 of 1,614,008 alleles (0.0024%); highest among the groups gnomAD compares: Non-Finnish European, 0.0031%; no homozygotes.

Submissions (2):

Labcorp Genetics (formerly Invitae), Labcorp
Classification: Uncertain significance for Peroxisome biogenesis disorder 5A (Zellweger). Last evaluated: 2022-06-05. Review status: criteria provided, single submitter. Criteria: Invitae Variant Classification Sherloc (09022015). Collection method: clinical testing. Allele origin: germline.
Comment: This sequence change replaces asparagine, which is neutral and polar, with lysine, which is basic and polar, at codon 235 of the PEX2 protein (p.Asn235Lys). This variant is present in population databases (rs747222660, gnomAD 0.004%). This variant has not been reported in the literature in individuals affected with PEX2-related conditions. ClinVar contains an entry for this variant (Variation ID: 1051542). Algorithms developed to predict the effect of missense changes on protein structure and function (SIFT, PolyPhen-2, Align-GVGD) all suggest that this variant is likely to be tolerated. In summary, the available evidence is currently insufficient to determine the role of this variant in disease. Therefore, it has been classified as a Variant of Uncertain Significance.

Natera, Inc.
Classification: Uncertain significance for Zellweger syndrome. Last evaluated: 2020-04-14. Review status: no assertion criteria provided. Collection method: clinical testing. Allele origin: germline. Not counted in ClinVar's aggregate classification.

NM_000318.3(PEX2):c.705T>A (p.Asn235Lys)

Gene: PEX2 (peroxisomal biogenesis factor 2; minus strand). Cytogenetic location: 8q21.13.
Variant type: single nucleotide variant.
Coding change: c.705T>A on transcript NM_000318.3 (MANE Select); coding-DNA position 705, T replaced by A.
Protein change: p.Asn235Lys; replaces asparagine 235 with lysine.
Molecular consequence: missense variant.
Genome position (GRCh38, 1-based): chr8:76,983,474, A>T on the plus strand (T>A on the coding strand, the complement: PEX2 is on the minus strand). VCF-style: chr8-76983474-A-T. GRCh37 (hg19) VCF-style: chr8-77895710-A-T.
Other names: c.705T>A, p.Asn235Lys (NM_001079867.2, NM_001172086.2, NM_001172087.2); short protein forms N235K.
Identifiers: ClinVar variation 1051542 (VCV001051542.5), dbSNP rs747222660, ClinGen allele CA4788665.